The following is an entry in ClinVar:

ClinVar aggregate classification (germline): Uncertain significance (1 of 4 stars; one submission).

Submission:

Ambry Genetics
Classification: Uncertain significance. Last evaluated: 2025-10-27. Review status: criteria provided, single submitter. Criteria: Ambry Variant Classification Scheme 2023. Collection method: clinical testing. Allele origin: germline.
Comment: The c.447C>A (p.N149K) alteration is located in exon (coding exon ) of the MPPED1 gene. This alteration results from a C to A substitution at nucleotide position 447, causing the asparagine (N) at amino acid position 149 to be replaced by a lysine (K). Based on insufficient or conflicting evidence, the clinical significance of this alteration remains unclear.

NM_001044370.2(MPPED1):c.447C>A (p.Asn149Lys)

Gene: MPPED1 (metallophosphoesterase domain containing 1; plus strand). Cytogenetic location: 22q13.2.
Variant type: single nucleotide variant.
Coding change: c.447C>A on transcript NM_001044370.2 (MANE Select); coding-DNA position 447, C replaced by A.
Protein change: p.Asn149Lys; replaces asparagine 149 with lysine.
Molecular consequence: missense variant.
Genome position (GRCh38, 1-based): chr22:43,474,776, C>A. VCF-style: chr22-43474776-C-A. GRCh37 (hg19) VCF-style: chr22-43870656-C-A.
Other names: c.447C>A, p.Asn149Lys (NM_001362786.2); short protein forms N149K.
Identifiers: ClinVar variation 4552850 (VCV004552850.1).